The following is an entry in ClinVar:

NM_016292.3(TRAP1):c.2107C>T (p.Arg703Ter)

Genes: DNASE1 (deoxyribonuclease 1; plus strand), TRAP1 (TNF receptor associated protein 1; minus strand). Cytogenetic location: 16p13.3.
Variant type: single nucleotide variant.
Coding change: c.2107C>T on transcript NM_016292.3 (MANE Select); coding-DNA position 2107, C replaced by T.
Protein change: p.Arg703Ter; replaces arginine 703 with a stop codon.
Molecular consequence: nonsense.
Genome position (GRCh38, 1-based): chr16:3,658,137, G>A on the plus strand (C>T on the coding strand, the complement: TRAP1 is on the minus strand). VCF-style: chr16-3658137-G-A. GRCh37 (hg19) VCF-style: chr16-3708138-G-A.
Other names: c.1948C>T, p.Arg650Ter (NM_001272049.2); short protein forms R703*, R650*.
Identifiers: ClinVar variation 488976 (VCV000488976.5), dbSNP rs371020906, ClinGen allele CA7867609.
Genomic context (GRCh38, chr16:3,658,137, plus strand): 5'-CAAGGAGGTGGGGCTGTCATCTGTGGTGTCAGTCCTTCTGGCCCCCTGGCTGTCAGTGTC[G>A]CTCCAGGGCCTTGACAAGCAGCTCATTCAAGCGGCCCACCATGGCCCTAGGGTCGTCAAC-3'

ClinVar aggregate classification (germline): Uncertain significance. Review status: criteria provided, multiple submitters, no conflicts (2 of 4 stars). 3 submissions from 3 submitters: Uncertain significance (3). Last evaluated 2022-06-07.

Allele frequency attached by ClinVar (database versions not stated): ExAC 0.00013; gnomAD 0.00013 and 0.00014; ESP Exome Variant Server 0.00015; 1000 Genomes Project 30x 0.00016; gnomAD exomes 0.00018; TOPMed 0.00019; 1000 Genomes Project 0.00020.
gnomAD v4.1: 223 of 1,613,948 alleles (0.014%); highest among the groups gnomAD compares: East Asian, 0.036%; no homozygotes.

Submissions (3):

Labcorp Genetics (formerly Invitae), Labcorp
Classification: Uncertain significance. Last evaluated: 2022-06-07. Review status: criteria provided, single submitter. Criteria: Invitae Variant Classification Sherloc (09022015). Collection method: clinical testing. Allele origin: germline.
Comment: This sequence change creates a premature translational stop signal (p.Arg703*) in the TRAP1 gene. While this is not anticipated to result in nonsense mediated decay, it is expected to disrupt the last 2 amino acid(s) of the TRAP1 protein. This variant is present in population databases (rs371020906, gnomAD 0.03%). This variant has not been reported in the literature in individuals affected with TRAP1-related conditions. ClinVar contains an entry for this variant (Variation ID: 488976). In summary, the available evidence is currently insufficient to determine the role of this variant in disease. Therefore, it has been classified as a Variant of Uncertain Significance.

GeneDx
Classification: Uncertain significance. Last evaluated: 2017-03-27. Review status: criteria provided, single submitter. Criteria: GeneDx Variant Classification (06012015). Collection method: clinical testing. Allele origin: germline. Affected: yes.
Comment: The R703X variant in the TRAP1 gene has been reported previously in a single individual with pain and fatigue whounderwent multi-gene testing for mitochondrial disorders; however zygosity, additional clinical information andsegregation information was not included (Boles et al., 2015). This variant is predicted to cause loss of normalprotein function through protein truncation. The R703X variant is observed in 2/8630 (0.02%) alleles fromindividuals of East Asian background the ExAC dataset (Lek et al., 2016). We interpret R703X as a variant ofuncertain significance.

Breakthrough Genomics
Classification: Uncertain significance. Review status: criteria provided, single submitter. Criteria: ACMG Guidelines, 2015. Collection method: not provided. Allele origin: germline. Inheritance: Unknown mechanism. Affected: yes.